The following is an entry in ClinVar:

ClinVar aggregate classification (germline): Benign/Likely benign. Review status: criteria provided, multiple submitters, no conflicts (2 of 4 stars). 8 submissions from 6 submitters: Benign (4); Likely benign (3). 1 of the submissions does not count toward it. Last evaluated 2026-08-01.

Conditions:
Acute febrile neutrophilic dermatosis (AFND). Also called: Sweet Syndrome; Gomm Button disease. Identifiers: Orphanet 3243, MedGen C0085077, MONDO:0011959, OMIM 608068.
Familial Mediterranean fever, autosomal dominant. Also called: Dominant Familial Mediterranean Fever; FMF, AUTOSOMAL DOMINANT. Identifiers: Orphanet 342, MedGen C1851347, MONDO:0007601, OMIM 134610.
Familial Mediterranean fever (FMF). Also called: POLYSEROSITIS, FAMILIAL PAROXYSMAL; POLYSEROSITIS, RECURRENT; Periodic peritonitis; Benign paroxysmal peritonitis. Identifiers: Orphanet 342, MedGen C0031069, MONDO:0018088, OMIM 249100. Disease mechanism: gain of function.

Allele frequency attached by ClinVar (database versions not stated): gnomAD 0.00002 and 0.00003; ExAC 0.00003; TOPMed 0.00004; gnomAD exomes 0.00006 and 0.00007; 1000 Genomes Project 30x 0.00016.
gnomAD v4.1: 93 of 1,614,184 alleles (0.0058%); highest among the groups gnomAD compares: Admixed American, 0.015%; no homozygotes.

Submissions (8):

CeGaT Center for Human Genetics Tuebingen
Classification: Likely benign. Last evaluated: 2026-08-01. Review status: criteria provided, single submitter. Criteria: CeGaT Center For Human Genetics Tuebingen Variant Classification Criteria Version 2. Collection method: clinical testing. Allele origin: germline. Affected: yes. Observed: 2 variant alleles.
Comment: MEFV: BP4, BP7

Women's Health and Genetics/Laboratory Corporation of America, LabCorp
Classification: Likely benign. Last evaluated: 2026-06-12. Review status: criteria provided, single submitter. Criteria: LabCorp Variant Classification Summary - May 2015. Collection method: clinical testing. Allele origin: germline.

Labcorp Genetics (formerly Invitae), Labcorp
Classification: Likely benign for Familial Mediterranean fever. Last evaluated: 2026-01-26. Review status: criteria provided, single submitter. Criteria: Invitae Variant Classification Sherloc (09022015). Collection method: clinical testing. Allele origin: germline.

Genome-Nilou Lab
Classification: Benign for Familial Mediterranean fever. Last evaluated: 2023-02-08. Review status: criteria provided, single submitter. Criteria: ACMG Guidelines, 2015. Collection method: clinical testing. Allele origin: germline.

Genome-Nilou Lab
Classification: Benign for Familial Mediterranean fever, autosomal dominant. Last evaluated: 2023-02-08. Review status: criteria provided, single submitter. Criteria: ACMG Guidelines, 2015. Collection method: clinical testing. Allele origin: germline.

Genome-Nilou Lab
Classification: Benign for Acute febrile neutrophilic dermatosis. Last evaluated: 2023-02-08. Review status: criteria provided, single submitter. Criteria: ACMG Guidelines, 2015. Collection method: clinical testing. Allele origin: germline.

GeneDx
Classification: Benign. Last evaluated: 2013-05-28. Review status: criteria provided, single submitter. Criteria: GeneDx Variant Classification (06012015). Collection method: clinical testing. Allele origin: germline. Affected: yes.
Comment: This variant is considered likely benign or benign based on one or more of the following criteria: it is a conservative change, it occurs at a poorly conserved position in the protein, it is predicted to be benign by multiple in silico algorithms, and/or has population frequency not consistent with disease.

Unité médicale des maladies autoinflammatoires, CHRU Montpellier
No classification provided. Condition: Familial Mediterranean fever. Review status: no classification provided. Collection method: not provided. Allele origin: unknown. Not counted in ClinVar's aggregate classification.

NM_000243.3(MEFV):c.2103G>A (p.Ala701=)

Genes: MEFV (MEFV innate immunity regulator, pyrin; minus strand), LOC126862264 (CDK7 strongly-dependent group 2 enhancer GRCh37_chr16:3293322-3294521; plus strand). Cytogenetic location: 16p13.3.
Variant type: single nucleotide variant.
Coding change: c.2103G>A on transcript NM_000243.3 (MANE Select); coding-DNA position 2103, G replaced by A.
Protein change: p.Ala701=; no amino-acid change (alanine 701 retained).
Molecular consequence: synonymous variant. On other transcripts: 3 prime UTR variant (1).
Genome position (GRCh38, 1-based): chr16:3,243,384, C>T on the plus strand (G>A on the coding strand, the complement: MEFV is on the minus strand). VCF-style: chr16-3243384-C-T. GRCh37 (hg19) VCF-style: chr16-3293384-C-T.
Other names: p.A701A:GCG>GCA; c.*307G>A (NM_001198536.2).
Identifiers: ClinVar variation 97491 (VCV000097491.35), dbSNP rs104895095, ClinGen allele CA280517.